The following is an entry in ClinVar:

NM_000444.6(PHEX):c.*58C>T

Genes: PHEX (phosphate regulating endopeptidase X-linked; plus strand), PTCHD1-AS (PTCHD1 and PHEX antisense RNA; minus strand). Cytogenetic location: Xp22.11.
Variant type: single nucleotide variant.
Coding change: c.*58C>T on transcript NM_000444.6 (MANE Select); 58 bases downstream of the stop codon, C replaced by T.
Molecular consequence: 3 prime UTR variant.
Genome position (GRCh38, 1-based): chrX:22,248,011, C>T. VCF-style: chrX-22248011-C-T. GRCh37 (hg19) VCF-style: chrX-22266128-C-T.
Other names: c.*143C>T (NM_001282754.2).
Identifiers: ClinVar variation 914542 (VCV000914542.4), dbSNP rs183223600, ClinGen allele CA327534662.

ClinVar aggregate classification (germline): Benign (1 of 4 stars; one submission).

Conditions:
Familial X-linked hypophosphatemic vitamin D refractory rickets (XLHRD). Also called: HYPOPHOSPHATEMIC VITAMIN D-RESISTANT RICKETS; X-Linked Hypophosphatemia; Hypophosphatemia, vitamin D-resistant rickets; Vitamin D-resistant rickets, X-linked; Hypophosphatemic Rickets, X-Linked Dominant. Identifiers: Orphanet 89936, MedGen C0733682, MONDO:0010619, OMIM 307800.

Allele frequency attached by ClinVar (database versions not stated): 1000 Genomes Project 30x 0.00146; 1000 Genomes Project 0.00159; gnomAD 0.00240 and 0.00262; TOPMed 0.00263.
gnomAD v4.1: 544 of 839,498 alleles (0.065%); highest among the groups gnomAD compares: African/African-American, 0.76%; 2 homozygotes.

Submission:

Illumina Laboratory Services, Illumina
Classification: Benign for Familial X-linked hypophosphatemic vitamin D refractory rickets. Last evaluated: 2018-01-13. Review status: criteria provided, single submitter. Criteria: ICSL Variant Classification Criteria 13 December 2019. Collection method: clinical testing. Allele origin: germline.
Comment: This variant was observed in the ICSL laboratory as part of a predisposition screen in an ostensibly healthy population. It had not been previously curated by ICSL or reported in the Human Gene Mutation Database (HGMD: prior to June 1st, 2018), and was therefore a candidate for classification through an automated scoring system. Utilizing variant allele frequency, disease prevalence and penetrance estimates, and inheritance mode, an automated score was calculated to assess if this variant is too frequent to cause the disease. Based on the score and internal cut-off values, a variant classified as benign is not then subjected to further curation. The score for this variant resulted in a classification of benign for this disease.